The following is an entry in ClinVar:

NM_000268.4(NF2):c.431dup (p.Tyr144Ter)

Gene: NF2 (NF2, moesin-ezrin-radixin like (MERLIN) tumor suppressor; plus strand). Cytogenetic location: 22q12.2.
Variant type: Duplication.
Coding change: c.431dup on transcript NM_000268.4 (MANE Select); coding-DNA position 431, one base duplicated (A; older notation c.431dupA).
Protein change: p.Tyr144Ter; replaces tyrosine 144 with a stop codon.
Molecular consequence: nonsense. On other transcripts: non-coding transcript variant (1).
Genome position (GRCh38, 1-based): chr22:29,642,269, A duplicated. VCF-style (leftmost placement, unchanged base first): chr22-29642268-T-TA. GRCh37 (hg19) VCF-style: chr22-30038257-T-TA.
Other names: c.431dup, p.Tyr144Ter (NM_016418.5, NM_181825.3, NM_181832.3 and 1 more transcripts); c.305dup, p.Tyr102Ter (NM_181828.3); c.308dup, p.Tyr103Ter (NM_181829.3); c.182dup, p.Tyr61Ter (NM_181830.3, NM_181831.3); c.431dupA (NM_181832.2); short protein forms Y144*, Y102*, Y103*, Y61*.
Identifiers: ClinVar variation 855264 (VCV000855264.11), dbSNP rs2065831369, ClinGen allele CA514192383.

ClinVar aggregate classification (germline): Pathogenic. Review status: criteria provided, multiple submitters, no conflicts (2 of 4 stars). 2 submissions from 2 submitters: Pathogenic (2). Last evaluated 2023-01-23.

Conditions:
NF2-related disorder. Also called: NF2-related condition.
Neurofibromatosis, type 2 (SWNV). Also called: BILATERAL ACOUSTIC NEUROFIBROMATOSIS; SCHWANNOMATOSIS, VESTIBULAR; NF2-Related Schwannomatosis. Identifiers: Orphanet 637, MedGen C0027832, MONDO:0007039, OMIM 101000. Disease mechanism: loss of function.

Submissions (2):

PreventionGenetics, part of Exact Sciences
Classification: Pathogenic for NF2-related condition. Last evaluated: 2023-01-23. Review status: criteria provided, single submitter. Criteria: ACMG Guidelines, 2015. Collection method: clinical testing. Allele origin: germline.
Comment: The NF2 c.431dupA variant is predicted to result in premature protein termination (p.Tyr144*). This variant was reported in an individual with neurofibromatosis type 2 (Patient 150 in Kluwe et al. 1998. PubMed ID: 9817921). This variant has not been reported in a large population database, indicating this variant is rare. Nonsense variants in NF2 are expected to be pathogenic. This variant is interpreted as pathogenic.

Labcorp Genetics (formerly Invitae), Labcorp
Classification: Pathogenic for Neurofibromatosis, type 2. Last evaluated: 2019-02-05. Review status: criteria provided, single submitter. Criteria: Invitae Variant Classification Sherloc (09022015). Collection method: clinical testing. Allele origin: germline.
Comment: For these reasons, this variant has been classified as Pathogenic. Loss-of-function variants in NF2 are known to be pathogenic (PMID: 9643284, 16983642). This nonsense change has been observed in individuals affected with neurofibromatosis type 2 (PMID: 9817921, 15684865 , 18033041). This variant is not present in population databases (ExAC no frequency). This sequence change creates a premature translational stop signal (p.Tyr144*) in the NF2 gene. It is expected to result in an absent or disrupted protein product.

Literature cited by the submitters: PubMed 9643284 (cited by Labcorp Genetics (formerly Invitae), Labcorp); PubMed 16983642 (cited by Labcorp Genetics (formerly Invitae), Labcorp); PubMed 9817921 (cited by Labcorp Genetics (formerly Invitae), Labcorp); PubMed 15684865 (cited by Labcorp Genetics (formerly Invitae), Labcorp); PubMed 18033041 (cited by Labcorp Genetics (formerly Invitae), Labcorp).